The following is an entry in ClinVar:

NM_032236.8(USP48):c.84C>A (p.Ile28=)

Gene: USP48 (ubiquitin specific peptidase 48; minus strand). Cytogenetic location: 1p36.12.
Variant type: single nucleotide variant.
Coding change: c.84C>A on transcript NM_032236.8 (MANE Select); coding-DNA position 84, C replaced by A.
Protein change: p.Ile28=; no amino-acid change (isoleucine 28 retained).
Molecular consequence: synonymous variant.
Genome position (GRCh38, 1-based): chr1:21,782,874, G>T on the plus strand (C>A on the coding strand, the complement: USP48 is on the minus strand). VCF-style: chr1-21782874-G-T. GRCh37 (hg19) VCF-style: chr1-22109367-G-T.
Other names: c.84C>A, p.Ile28= (NM_001032730.3, NM_001330394.3, NM_001350164.2 and 3 more transcripts).
Identifiers: ClinVar variation 4084403 (VCV004084403.8).

ClinVar aggregate classification (germline): Likely benign (1 of 4 stars; one submission).

gnomAD v4.1: 5 of 1,560,904 alleles (0.00032%); highest among the groups gnomAD compares: Middle Eastern, 0.018%; no homozygotes.

Submission:

CeGaT Center for Human Genetics Tuebingen
Classification: Likely benign. Last evaluated: 2025-07-01. Review status: criteria provided, single submitter. Criteria: CeGaT Center For Human Genetics Tuebingen Variant Classification Criteria Version 2. Collection method: clinical testing. Allele origin: germline. Affected: yes. Observed: 1 variant allele.
Comment: USP48: BP4